The following is an entry in ClinVar:

ClinVar aggregate classification (germline): Uncertain significance. Review status: criteria provided, multiple submitters, no conflicts (2 of 4 stars). 2 submissions from 2 submitters: Uncertain significance (2). Last evaluated 2024-02-06.

Conditions:
Fanconi anemia (FA). Also called: Fanconi's anemia. Identifiers: Orphanet 84, MedGen C0015625, MeSH D005199, MONDO:0019391.

Allele frequency attached by ClinVar (database versions not stated): ExAC 0.00001; gnomAD 0.00001; TOPMed 0.00001.

Submissions (2):

GeneDx
Classification: Uncertain significance. Last evaluated: 2024-02-06. Review status: criteria provided, single submitter. Criteria: GeneDx Variant Classification Process June 2021. Collection method: clinical testing. Allele origin: germline. Affected: yes.
Comment: Not observed at significant frequency in large population cohorts (gnomAD); Has not been previously published as pathogenic or benign to our knowledge

Labcorp Genetics (formerly Invitae), Labcorp
Classification: Uncertain significance for Fanconi anemia. Last evaluated: 2022-12-25. Review status: criteria provided, single submitter. Criteria: Invitae Variant Classification Sherloc (09022015). Collection method: clinical testing. Allele origin: germline.
Comment: This variant is present in population databases (rs749426532, gnomAD 0.007%). This variant, c.2135_2140dup, results in the insertion of 2 amino acid(s) of the FANCM protein (p.Leu713_Gln714insProLeu), but otherwise preserves the integrity of the reading frame. In summary, the available evidence is currently insufficient to determine the role of this variant in disease. Therefore, it has been classified as a Variant of Uncertain Significance. This variant has not been reported in the literature in individuals affected with FANCM-related conditions.

NM_020937.4(FANCM):c.2135_2140dup (p.Leu713_Gln714insProLeu)

Gene: FANCM (FA complementation group M; plus strand). Cytogenetic location: 14q21.2.
Variant type: Duplication.
Coding change: c.2135_2140dup on transcript NM_020937.4 (MANE Select); coding-DNA positions 2135 to 2140, 6 bases duplicated (CTTTAC; older notation c.2135_2140dupCTTTAC).
Protein change: p.Leu713_Gln714insProLeu.
Molecular consequence: inframe insertion.
Genome position (GRCh38, 1-based): chr14:45,170,721-45,170,726, CTTTAC duplicated. VCF-style (leftmost placement, unchanged base first): chr14-45170720-T-TCTTTAC. GRCh37 (hg19) VCF-style: chr14-45639923-T-TCTTTAC.
Other names: c.2057_2062dup, p.Leu687_Gln688insProLeu (NM_001308133.2).
Identifiers: ClinVar variation 3023651 (VCV003023651.4), dbSNP rs749426532, ClinGen allele CA7169238.